The following is an entry in ClinVar:

ClinVar aggregate classification (germline): Pathogenic. Review status: criteria provided, single submitter (1 of 4 stars). 3 submissions from 2 submitters: Pathogenic (1). 2 of the submissions do not count toward it. Last evaluated 2025-10-02.

Conditions:
Lowry-Wood syndrome (LWS). Identifiers: Orphanet 1824, MedGen C0796021, MONDO:0009191, OMIM 226960.
Osteodysplastic primordial dwarfism, type 1 (MOPD1). Also called: MOPD I; Microcephalic Osteodysplastic Primordial Dwarfism Type I/III (MOPDI) / Taybi-Linder Syndrome; Microcephalic Osteodysplastic Primordial Dwarfism, Type I; MOPD, SICILIAN FAIRY TYPE; BRACHYMELIC PRIMORDIAL DWARFISM; MICROCEPHALIC OSTEODYSPLASTIC PRIMORDIAL DWARFISM, TYPE III. Identifiers: Orphanet 2636, MedGen C1859452, MONDO:0008871, OMIM 210710.

Allele frequency attached by ClinVar (database versions not stated): TOPMed 0.00004.
gnomAD v4.1: 11 of 700,064 alleles (0.0016%); highest among the groups gnomAD compares: Admixed American, 0.006%; no homozygotes.

Submissions (3):

Labcorp Genetics (formerly Invitae), Labcorp
Classification: Pathogenic. Last evaluated: 2025-10-02. Review status: criteria provided, single submitter. Criteria: Invitae Variant Classification Sherloc (09022015). Collection method: clinical testing. Allele origin: germline.
Comment: This variant occurs in the RNU4ATAC gene, which encodes an RNA molecule that does not result in a protein product. This variant is present in population databases (rs763500364, gnomAD 0.02%). This variant has been observed in individual(s) with RNU4ATAC-related conditions (PMID: 21474760, 29265708; internal data). In at least one individual the data is consistent with being in trans (on the opposite chromosome) from a pathogenic variant. ClinVar contains an entry for this variant (Variation ID: 30181). Functional studies have shown that this variant disrupts ncRNA function (PMID: 21474760, 32628740) For these reasons, this variant has been classified as Pathogenic.

OMIM
Classification: Pathogenic for MICROCEPHALIC OSTEODYSPLASTIC PRIMORDIAL DWARFISM, TYPE I. Last evaluated: 2011-04-08. Review status: no assertion criteria provided. Collection method: literature only. Allele origin: germline. Not counted in ClinVar's aggregate classification.

OMIM
Classification: Pathogenic for LOWRY-WOOD SYNDROME. Last evaluated: 2011-04-08. Review status: no assertion criteria provided. Collection method: literature only. Allele origin: germline. Not counted in ClinVar's aggregate classification.

Literature cited by the submitters: PubMed 21474760 (cited by Labcorp Genetics (formerly Invitae), Labcorp and OMIM); PubMed 29265708 (cited by Labcorp Genetics (formerly Invitae), Labcorp and OMIM); PubMed 32628740 (cited by Labcorp Genetics (formerly Invitae), Labcorp).

NC_000002.12:g.121530990G>A

Genes: CLASP1 (cytoplasmic linker associated protein 1; minus strand), CLASP1-AS1 (CLASP1 antisense RNA 1; plus strand), RNU4ATAC (RNA, U4atac small nuclear; plus strand). Cytogenetic location: 2q14.2.
Variant type: single nucleotide variant.
Molecular consequence: intron variant (on NM_001395891.1).
Genome position: GRCh38 VCF-style: chr2-121530990-G-A. GRCh37 (hg19) VCF-style: chr2-122288566-G-A.
Other names: 111G-A; c.196-665C>T (NM_001142274.2, NM_015282.3, NM_001378003.1 and 5 more transcripts).
Identifiers: ClinVar variation 30181 (VCV000030181.8), dbSNP rs763500364, ClinGen allele CA129003.